The following is an entry in ClinVar:

ClinVar aggregate classification (germline): Likely pathogenic (1 of 4 stars; one submission).

Submission:

GeneDx
Classification: Likely pathogenic. Last evaluated: 2025-12-04. Review status: criteria provided, single submitter. Criteria: GeneDx Variant Classification Process June 2021. Collection method: clinical testing. Allele origin: germline.
Comment: Frameshift variant predicted to result in protein truncation or nonsense mediated decay in a gene for which loss of function is a known mechanism of disease; Not observed at significant frequency in large population cohorts (gnomAD); Located in the A-band, a region of TTN for which truncating variants are significantly associated with autosomal dominant cardiomyopathy and also with autosomal recessive skeletal myopathies (PMID: 22335739, 32778822); Has not been previously published as pathogenic or benign to our knowledge; This variant is associated with the following publications: (PMID: 22335739, 32778822)

NM_001267550.2(TTN):c.69393delinsAA (p.Met23133fs)

Genes: TTN (titin; minus strand), TTN-AS1 (TTN antisense RNA 1; plus strand). Cytogenetic location: 2q31.2.
Variant type: Indel.
Coding change: c.69393delinsAA on transcript NM_001267550.2 (MANE Select); coding-DNA position 69393, C replaced by AA.
Protein change: p.Met23133fs; shifts the reading frame from methionine 23133.
Molecular consequence: frameshift variant.
Genome position (GRCh38, 1-based): chr2:178,576,942, G replaced by TT on the plus strand (C replaced by AA on the coding strand, the reverse complement: TTN is on the minus strand). VCF-style: chr2-178576942-G-TT. GRCh37 (hg19) VCF-style: chr2-179441669-G-TT.
Other names: c.64470delinsAA, p.Met21492fs (NM_001256850.1); c.69393delCinsAA, p.Met23133Asnfs (NM_001267550.1); c.42198delinsAA, p.Met14068fs (NM_003319.4); c.61689delinsAA, p.Met20565fs (NM_133378.4); c.42573delinsAA, p.Met14193fs (NM_133432.3); c.42774delinsAA, p.Met14260fs (NM_133437.4); short protein forms M14068fs, M14193fs, M14260fs, M20565fs, M21492fs, M23133fs.
Identifiers: ClinVar variation 4529701 (VCV004529701.2).